The following is an entry in ClinVar:

ClinVar aggregate classification (germline): Uncertain significance. Review status: criteria provided, multiple submitters, no conflicts (2 of 4 stars). 2 submissions from 2 submitters: Uncertain significance (2). Last evaluated 2025-09-05.

Conditions:
Kabuki syndrome 2 (KABUK2). Also called: KDM6A-Related Kabuki Syndrome. Identifiers: Orphanet 2322, MedGen C3275495, MONDO:0010465, OMIM 300867.

Submissions (2):

Women's Health and Genetics/Laboratory Corporation of America, LabCorp
Classification: Uncertain significance. Last evaluated: 2025-09-05. Review status: criteria provided, single submitter. Criteria: LabCorp Variant Classification Summary - May 2015. Collection method: clinical testing. Allele origin: germline.
Comment: Variant summary: KDM6A c.36_38delCGC (p.Ala17del) results in an in-frame deletion that is predicted to remove one amino acids from the encoded protein. The variant allele was found at a frequency of 1.2e-05 in 160255 control chromosomes. The available data on variant occurrences in the general population are insufficient to allow any conclusion about variant significance. To our knowledge, no occurrence of c.36_38delCGC in individuals affected with KDM6A-related conditions and no experimental evidence demonstrating its impact on protein function have been reported. ClinVar contains an entry for this variant (Variation ID: 3667448). Based on the evidence outlined above, the variant was classified as uncertain significance.

Labcorp Genetics (formerly Invitae), Labcorp
Classification: Uncertain significance for Kabuki syndrome 2. Last evaluated: 2024-02-17. Review status: criteria provided, single submitter. Criteria: Invitae Variant Classification Sherloc (09022015). Collection method: clinical testing. Allele origin: germline.
Comment: This variant, c.36_38del, results in the deletion of 1 amino acid(s) of the KDM6A protein (p.Ala17del), but otherwise preserves the integrity of the reading frame. The frequency data for this variant in the population databases is considered unreliable, as metrics indicate poor data quality at this position in the gnomAD database. This variant has not been reported in the literature in individuals affected with KDM6A-related conditions. Experimental studies and prediction algorithms are not available or were not evaluated, and the functional significance of this variant is currently unknown. In summary, the available evidence is currently insufficient to determine the role of this variant in disease. Therefore, it has been classified as a Variant of Uncertain Significance.

Literature cited by the submitters: PubMed 25225064 (cited by Women's Health and Genetics/Laboratory Corporation of America, LabCorp); PubMed 21828135 (cited by Women's Health and Genetics/Laboratory Corporation of America, LabCorp); PubMed 22377896 (cited by Women's Health and Genetics/Laboratory Corporation of America, LabCorp); PubMed 29479066 (cited by Women's Health and Genetics/Laboratory Corporation of America, LabCorp); PubMed 27276561 (cited by Women's Health and Genetics/Laboratory Corporation of America, LabCorp).

NM_001291415.2(KDM6A):c.30CGC[2] (p.Ala17del)

Gene: KDM6A (lysine demethylase 6A; plus strand). Cytogenetic location: Xp11.3.
Variant type: Microsatellite.
Coding change: c.30CGC[2] on transcript NM_001291415.2 (MANE Select); two copies in a row of the 3-base unit CGC starting at c.30; the reference has three copies in a row; one copy, 3 bases deleted.
Protein change: p.Ala17del; deletes alanine 17.
Molecular consequence: non-coding transcript variant (on NR_111960.2). On other transcripts: 5 prime UTR variant (1).
Genome position (GRCh38, 1-based): chrX:44,873,587-44,873,589, CGC deleted; deleting any 3 consecutive bases within chrX:44,873,580-44,873,589 gives the same sequence; the position shown is the placement nearest the transcript's 3' end. VCF-style (leftmost placement, unchanged base first): chrX-44873579-ACCG-A. GRCh37 (hg19) VCF-style: chrX-44732825-ACCG-A.
Other names: c.30CGC[2], p.Ala17del (NM_001419814.1, NM_001419815.1, NM_021140.4 and 9 more transcripts); c.-603CGC[2] (NM_001291421.2); c.36_38delCGC (NM_021140.4); short protein forms A17del.
Identifiers: ClinVar variation 3667448 (VCV003667448.3).